The following is an entry in ClinVar:

NM_005121.3(MED13):c.5235A>G (p.Glu1745=)

Gene: MED13 (mediator complex subunit 13; minus strand). Cytogenetic location: 17q23.2.
Variant type: single nucleotide variant.
Coding change: c.5235A>G on transcript NM_005121.3 (MANE Select); coding-DNA position 5235, A replaced by G.
Protein change: p.Glu1745=; no amino-acid change (glutamic acid 1745 retained).
Molecular consequence: synonymous variant.
Genome position (GRCh38, 1-based): chr17:61,961,609, T>C on the plus strand (A>G on the coding strand, the complement: MED13 is on the minus strand). VCF-style: chr17-61961609-T-C. GRCh37 (hg19) VCF-style: chr17-60038970-T-C.
Identifiers: ClinVar variation 5041444 (VCV005041444.1).

ClinVar aggregate classification (germline): Likely benign (1 of 4 stars; one submission).

gnomAD v4.1: 18 of 1,613,856 alleles (0.0011%); highest among the groups gnomAD compares: Admixed American, 0.028%; no homozygotes.

Submission:

CeGaT Center for Human Genetics Tuebingen
Classification: Likely benign. Last evaluated: 2026-09-01. Review status: criteria provided, single submitter. Criteria: CeGaT Center For Human Genetics Tuebingen Variant Classification Criteria Version 2. Collection method: clinical testing. Allele origin: germline. Affected: yes. Observed: 1 variant allele.
Comment: MED13: BP4, BP7